The following is an entry in ClinVar:

NM_000147.5(FUCA1):c.7G>C (p.Ala3Pro)

Gene: FUCA1 (alpha-L-fucosidase 1; minus strand). Cytogenetic location: 1p36.11.
Variant type: single nucleotide variant.
Coding change: c.7G>C on transcript NM_000147.5 (MANE Select); coding-DNA position 7, G replaced by C.
Protein change: p.Ala3Pro; replaces alanine 3 with proline.
Molecular consequence: missense variant.
Genome position (GRCh38, 1-based): chr1:23,868,280, C>G on the plus strand (G>C on the coding strand, the complement: FUCA1 is on the minus strand). VCF-style: chr1-23868280-C-G. GRCh37 (hg19) VCF-style: chr1-24194770-C-G.
Other names: short protein forms A3P.
Identifiers: ClinVar variation 296895 (VCV000296895.25), dbSNP rs61996282, ClinGen allele CA686650.
Genomic context (GRCh38, chr1:23,868,280, plus strand): 5'-CGAGGAAGAGCAGCAGCAGCAACAGCGCGGGACCCGCCGGCCGCGACCTCATCCCCGGAG[C>G]CCGCATCGCTACCCCTCAGCGACGCGGCCCACTCTTAACGCGCAGGTGCCCGCGGGCGGC-3'
Protein context (NP_000138.2, residues 1-13): MR[Ala3Pro]PGMRSRPAGP

ClinVar aggregate classification (germline): Benign/Likely benign. Review status: criteria provided, multiple submitters, no conflicts (2 of 4 stars). 7 submissions from 7 submitters: Benign (3); Likely benign (2). 2 of the submissions do not count toward it. Last evaluated 2026-02-04.

Conditions:
FUCA1-related disorder. Also called: FUCA1-related condition.
Fucosidosis. Also called: ALPHA-L-FUCOSIDASE DEFICIENCY. Identifiers: Orphanet 349, MedGen C0016788, MONDO:0009254, OMIM 230000.

Allele frequency attached by ClinVar (database versions not stated): 1000 Genomes Project 30x 0.01359; ESP Exome Variant Server 0.00210; TOPMed 0.00821; 1000 Genomes Project 0.01338.
gnomAD v4.1: 14,920 of 1,549,772 alleles (0.96%); highest among the groups gnomAD compares: Admixed American, 4.9%; 140 homozygotes.

Submissions (7):

Labcorp Genetics (formerly Invitae), Labcorp
Classification: Benign for Fucosidosis. Last evaluated: 2026-02-04. Review status: criteria provided, single submitter. Criteria: Invitae Variant Classification Sherloc (09022015). Collection method: clinical testing. Allele origin: germline.

GeneDx
Classification: Benign. Last evaluated: 2019-06-27. Review status: criteria provided, single submitter. Criteria: GeneDx Variant Classification Process June 2021. Collection method: clinical testing. Allele origin: germline. Affected: yes.

Illumina Laboratory Services, Illumina
Classification: Benign for Fucosidosis. Last evaluated: 2018-01-13. Review status: criteria provided, single submitter. Criteria: ICSL Variant Classification Criteria 13 December 2019. Collection method: clinical testing. Allele origin: germline.
Comment: This variant was observed in the ICSL laboratory as part of a predisposition screen in an ostensibly healthy population. It had not been previously curated by ICSL or reported in the Human Gene Mutation Database (HGMD: prior to June 1st, 2018), and was therefore a candidate for classification through an automated scoring system. Utilizing variant allele frequency, disease prevalence and penetrance estimates, and inheritance mode, an automated score was calculated to assess if this variant is too frequent to cause the disease. Based on the score and internal cut-off values, a variant classified as benign is not then subjected to further curation. The score for this variant resulted in a classification of benign for this disease.

Center for Pediatric Genomic Medicine, Children's Mercy Hospital and Clinics
Classification: Likely benign. Last evaluated: 2016-09-15. Review status: criteria provided, single submitter. Criteria: ACMG Guidelines, 2015. Collection method: clinical testing. Allele origin: germline.
ClinVar note: Converted during submission from Likely Benign to Likely benign.

Breakthrough Genomics
Classification: Likely benign. Review status: criteria provided, single submitter. Criteria: ACMG Guidelines, 2015. Collection method: not provided. Allele origin: germline. Inheritance: Autosomal recessive inheritance. Affected: yes.

PreventionGenetics, part of Exact Sciences
Classification: Benign for FUCA1-related condition. Last evaluated: 2019-04-17. Review status: no assertion criteria provided. Collection method: clinical testing. Allele origin: germline. Not counted in ClinVar's aggregate classification.
Comment: This variant is classified as benign based on ACMG/AMP sequence variant interpretation guidelines (Richards et al. 2015 PMID: 25741868, with internal and published modifications).

Mayo Clinic Laboratories, Mayo Clinic
Classification: Benign. Last evaluated: 2017-07-12. Review status: no assertion criteria provided. Collection method: clinical testing. Allele origin: unknown. Not counted in ClinVar's aggregate classification.